The following is an entry in ClinVar:

NM_004698.4(PRPF3):c.1426+5A>G

Gene: PRPF3 (pre-mRNA processing factor 3; plus strand). Cytogenetic location: 1q21.2.
Variant type: single nucleotide variant.
Coding change: c.1426+5A>G on transcript NM_004698.4 (MANE Select); 5 bases into the intron after coding-DNA position 1426, A replaced by G.
Molecular consequence: intron variant.
Genome position (GRCh38, 1-based): chr1:150,343,457, A>G. VCF-style: chr1-150343457-A-G. GRCh37 (hg19) VCF-style: chr1-150315933-A-G.
Other names: c.1021+5A>G (NM_001350529.1).
Identifiers: ClinVar variation 4779733 (VCV004779733.1).
Genomic context (GRCh38, chr1:150,343,457, plus strand): 5'-GAAGGAACTACAAGAAAAAGTCAGGCTGGGCCTGATGCCTCCTCCAGAACCCAAAGGTGC[A>G]TTTCTCAGTGGCCTCTTCTGTTAAAAAGAGTGGCAAGTTTATGTCTTTAATCCTGGAGGA-3'

ClinVar aggregate classification (germline): Uncertain significance (1 of 4 stars; one submission).

Submission:

Labcorp Genetics (formerly Invitae), Labcorp
Classification: Uncertain significance. Last evaluated: 2025-03-10. Review status: criteria provided, single submitter. Criteria: Invitae Variant Classification Sherloc (09022015). Collection method: clinical testing. Allele origin: germline.
Comment: This sequence change falls in intron 10 of the PRPF3 gene. It does not directly change the encoded amino acid sequence of the PRPF3 protein. It affects a nucleotide within the consensus splice site. This variant is not present in population databases (gnomAD no frequency). This variant has not been reported in the literature in individuals affected with PRPF3-related conditions. Variants that disrupt the consensus splice site are a relatively common cause of aberrant splicing (PMID: 17576681, 9536098). Algorithms developed to predict the effect of sequence changes on RNA splicing suggest that this variant is not likely to affect RNA splicing. In summary, the available evidence is currently insufficient to determine the role of this variant in disease. Therefore, it has been classified as a Variant of Uncertain Significance.

Literature cited by the submitters: PubMed 17576681; PubMed 9536098.